The following is an entry in ClinVar:

NM_000384.3(APOB):c.3325C>T (p.His1109Tyr)

Gene: APOB (apolipoprotein B; minus strand). Cytogenetic location: 2p24.1.
Variant type: single nucleotide variant.
Coding change: c.3325C>T on transcript NM_000384.3 (MANE Select); coding-DNA position 3325, C replaced by T.
Protein change: p.His1109Tyr; replaces histidine 1109 with tyrosine.
Molecular consequence: missense variant.
Genome position (GRCh38, 1-based): chr2:21,016,446, G>A on the plus strand (C>T on the coding strand, the complement: APOB is on the minus strand). VCF-style: chr2-21016446-G-A. GRCh37 (hg19) VCF-style: chr2-21239318-G-A.
Other names: short protein forms H1109Y.
Identifiers: ClinVar variation 3933049 (VCV003933049.1).

ClinVar aggregate classification (germline): Uncertain significance (1 of 4 stars; one submission).

Conditions:
Cardiovascular phenotype. Identifiers: MedGen CN230736.

Submission:

Ambry Genetics
Classification: Uncertain significance for Cardiovascular phenotype. Last evaluated: 2025-05-06. Review status: criteria provided, single submitter. Criteria: Ambry Variant Classification Scheme 2023. Collection method: clinical testing. Allele origin: germline.
Comment: The p.H1109Y variant (also known as c.3325C>T), located in coding exon 21 of the APOB gene, results from a C to T substitution at nucleotide position 3325. The histidine at codon 1109 is replaced by tyrosine, an amino acid with similar properties. This amino acid position is conserved. In addition, this alteration is predicted to be tolerated by in silico analysis. Based on the available evidence, the clinical significance of this variant remains unclear.